The following is an entry in ClinVar:

ClinVar aggregate classification (germline): Likely benign. Review status: criteria provided, multiple submitters, no conflicts (2 of 4 stars). 3 submissions from 3 submitters: Likely benign (3). Last evaluated 2025-10-22.

Allele frequency attached by ClinVar (database versions not stated): gnomAD exomes 0.00003 and 0.00008; ExAC 0.00011; gnomAD 0.00026 and 0.00029; ESP Exome Variant Server 0.00031; TOPMed 0.00036.
gnomAD v4.1: 87 of 1,613,956 alleles (0.0054%); highest among the groups gnomAD compares: African/African-American, 0.085%; no homozygotes.

Submissions (3):

Labcorp Genetics (formerly Invitae), Labcorp
Classification: Likely benign. Last evaluated: 2025-10-22. Review status: criteria provided, single submitter. Criteria: Invitae Variant Classification Sherloc (09022015). Collection method: clinical testing. Allele origin: germline.

Blueprint Genetics
Classification: Likely benign. Last evaluated: 2023-07-17. Review status: criteria provided, single submitter. Criteria: ACMG Guidelines, 2015. Collection method: clinical testing. Allele origin: germline.

GeneDx
Classification: Likely benign. Last evaluated: 2016-10-06. Review status: criteria provided, single submitter. Criteria: GeneDx Variant Classification (06012015). Collection method: clinical testing. Allele origin: germline. Affected: yes.
Comment: This variant is considered likely benign or benign based on one or more of the following criteria: it is a conservative change, it occurs at a poorly conserved position in the protein, it is predicted to be benign by multiple in silico algorithms, and/or has population frequency not consistent with disease.

NM_006420.3(ARFGEF2):c.2100C>T (p.Ser700=)

Gene: ARFGEF2 (ARF guanine nucleotide exchange factor 2; plus strand). Cytogenetic location: 20q13.13.
Variant type: single nucleotide variant.
Coding change: c.2100C>T on transcript NM_006420.3 (MANE Select); coding-DNA position 2100, C replaced by T.
Protein change: p.Ser700=; no amino-acid change (serine 700 retained).
Molecular consequence: synonymous variant.
Genome position (GRCh38, 1-based): chr20:48,985,437, C>T. VCF-style: chr20-48985437-C-T. GRCh37 (hg19) VCF-style: chr20-47601974-C-T.
Identifiers: ClinVar variation 389701 (VCV000389701.9), dbSNP rs145085689, ClinGen allele CA9898563.